The following is an entry in ClinVar:

ClinVar aggregate classification (germline): Uncertain significance (1 of 4 stars; one submission).

Submission:

Labcorp Genetics (formerly Invitae), Labcorp
Classification: Uncertain significance. Last evaluated: 2025-02-03. Review status: criteria provided, single submitter. Criteria: Invitae Variant Classification Sherloc (09022015). Collection method: clinical testing. Allele origin: germline.
Comment: This sequence change replaces cysteine, which is neutral and slightly polar, with tryptophan, which is neutral and slightly polar, at codon 729 of the MERTK protein (p.Cys729Trp). This variant is not present in population databases (gnomAD no frequency). This variant has not been reported in the literature in individuals affected with MERTK-related conditions. ClinVar contains an entry for this variant (Variation ID: 2008273). An algorithm developed to predict the effect of missense changes on protein structure and function (PolyPhen-2) suggests that this variant is likely to be disruptive. In summary, the available evidence is currently insufficient to determine the role of this variant in disease. Therefore, it has been classified as a Variant of Uncertain Significance.

NM_006343.3(MERTK):c.2187C>G (p.Cys729Trp)

Gene: MERTK (MER proto-oncogene, tyrosine kinase; plus strand). Cytogenetic location: 2q13.
Variant type: single nucleotide variant.
Coding change: c.2187C>G on transcript NM_006343.3 (MANE Select); coding-DNA position 2187, C replaced by G.
Protein change: p.Cys729Trp; replaces cysteine 729 with tryptophan.
Molecular consequence: missense variant.
Genome position (GRCh38, 1-based): chr2:112,019,520, C>G. VCF-style: chr2-112019520-C-G. GRCh37 (hg19) VCF-style: chr2-112777097-C-G.
Other names: short protein forms C729W.
Identifiers: ClinVar variation 2008273 (VCV002008273.4), dbSNP rs2104421764, ClinGen allele CA348237006.